The following is an entry in ClinVar:

NM_000059.4(BRCA2):c.3719_3720delinsAC (p.Leu1240His)

Gene: BRCA2 (BRCA2 DNA repair associated; plus strand). Cytogenetic location: 13q13.1.
Variant type: Indel.
Coding change: c.3719_3720delinsAC on transcript NM_000059.4 (MANE Select); coding-DNA positions 3719 to 3720, TG replaced by AC.
Protein change: p.Leu1240His; replaces leucine 1240 with histidine.
Molecular consequence: missense variant.
Genome position (GRCh38, 1-based): chr13:32,338,074-32,338,075, TG replaced by AC. VCF-style: chr13-32338074-TG-AC. GRCh37 (hg19) VCF-style: chr13-32912211-TG-AC.
Other names: short protein forms L1240H.
Identifiers: ClinVar variation 824118 (VCV000824118.8), dbSNP rs1593900310, ClinGen allele CA915948456.

ClinVar aggregate classification (germline): Conflicting classifications of pathogenicity. Review status: criteria provided, conflicting classifications (1 of 4 stars). 3 submissions from 3 submitters: Uncertain significance (2); Likely benign (1). Last evaluated 2023-06-15.

Conditions:
Hereditary cancer-predisposing syndrome. Also called: Neoplastic Syndromes, Hereditary; Tumor predisposition; Hereditary neoplastic syndrome; Hereditary Cancer Syndrome. Identifiers: Orphanet 140162, MedGen C0027672, MeSH D009386, MONDO:0015356.

Submissions (3):

Color Diagnostics, LLC DBA Color Health
Classification: Uncertain significance for Hereditary cancer-predisposing syndrome. Last evaluated: 2023-06-15. Review status: criteria provided, single submitter. Criteria: ACMG Guidelines, 2015. Collection method: clinical testing. Allele origin: germline.
Comment: This variant substitutes two nucleotides TG with AC resulting in the replacement of leucine with histidine at codon 1240 of the BRCA2 protein. To our knowledge, functional studies have not been reported for this variant. This variant has not been reported in individuals affected with hereditary cancer in the literature. This variant has not been identified in the general population by the Genome Aggregation Database (gnomAD). The available evidence is insufficient to determine the role of this variant in disease conclusively. Therefore, this variant is classified as a Variant of Uncertain Significance.

University of Washington Department of Laboratory Medicine, University of Washington
Classification: Likely benign for Hereditary cancer-predisposing syndrome. Last evaluated: 2023-03-23. Review status: criteria provided, single submitter. Criteria: Dines et al. (Genet Med. 2020). Collection method: curation. Allele origin: germline.
Comment: Missense variant in a coldspot region where missense variants are very unlikely to be pathogenic (PMID:31911673).

BRCA2 exon 11 coldspot. Reclassification based on statistical prior probability.

Ambry Genetics
Classification: Uncertain significance for Hereditary cancer-predisposing syndrome. Last evaluated: 2018-11-02. Review status: criteria provided, single submitter. Criteria: Ambry Variant Classification Scheme 2023. Collection method: clinical testing. Allele origin: germline.
Comment: The c.3719_3720delTGinsAC variant, located in coding exon 10 of the BRCA2 gene, results from an in-frame deletion of TG and insertion of AC at nucleotide positions 3719 to 3720. This results in the substitution of the leucine residue for a histidine residue at codon 1240, an amino acid with similar properties. This amino acid position is highly conserved in available vertebrate species. Since supporting evidence is limited at this time, the clinical significance of this alteration remains unclear.